The following is an entry in ClinVar:

ClinVar aggregate classification (germline): Uncertain significance (1 of 4 stars; one submission).

Conditions:
Fanconi anemia (FA). Also called: Fanconi's anemia. Identifiers: Orphanet 84, MedGen C0015625, MeSH D005199, MONDO:0019391.

Allele frequency attached by ClinVar (database versions not stated): gnomAD 0.00003; TOPMed 0.00005.

Submission:

Labcorp Genetics (formerly Invitae), Labcorp
Classification: Uncertain significance for Fanconi anemia. Last evaluated: 2022-05-06. Review status: criteria provided, single submitter. Criteria: Invitae Variant Classification Sherloc (09022015). Collection method: clinical testing. Allele origin: germline.
Comment: In summary, the available evidence is currently insufficient to determine the role of this variant in disease. Therefore, it has been classified as a Variant of Uncertain Significance. Algorithms developed to predict the effect of missense changes on protein structure and function (SIFT, PolyPhen-2, Align-GVGD) all suggest that this variant is likely to be disruptive. This sequence change replaces methionine, which is neutral and non-polar, with threonine, which is neutral and polar, at codon 1569 of the SLX4 protein (p.Met1569Thr). This variant is present in population databases (no rsID available, gnomAD 0.004%). This variant has not been reported in the literature in individuals affected with SLX4-related conditions.

NM_032444.4(SLX4):c.4706T>C (p.Met1569Thr)

Gene: SLX4 (SLX4 structure-specific endonuclease subunit; minus strand). Cytogenetic location: 16p13.3.
Variant type: single nucleotide variant.
Coding change: c.4706T>C on transcript NM_032444.4 (MANE Select); coding-DNA position 4706, T replaced by C.
Protein change: p.Met1569Thr; replaces methionine 1569 with threonine.
Molecular consequence: missense variant.
Genome position (GRCh38, 1-based): chr16:3,584,802, A>G on the plus strand (T>C on the coding strand, the complement: SLX4 is on the minus strand). VCF-style: chr16-3584802-A-G. GRCh37 (hg19) VCF-style: chr16-3634803-A-G.
Other names: short protein forms M1569T.
Identifiers: ClinVar variation 1920276 (VCV001920276.4), dbSNP rs868445930, ClinGen allele CA276953506.
Genomic context (GRCh38, chr16:3,584,802, plus strand): 5'-GGGCAACAAGCTTTGAAGACCGCCAACCTATCCAGTTCCTTCTTCAGCACCGGCGTCTCC[A>G]TAATGGAATACTGTGGCATCGGCGTTATGGGCACTTTGGGGGGCAAGTTCTTCTTCCGAT-3'
Protein context (NP_115820.2, residues 1559-1579): PITPMPQYSI[Met1569Thr]ETPVLKKELD